The following is an entry in ClinVar:

ClinVar aggregate classification (germline): Uncertain significance (1 of 4 stars; one submission).

Conditions:
Familial thoracic aortic aneurysm and aortic dissection (TAAD). Also called: Thoracic aortic aneurysms and dissections. Identifiers: Orphanet 91387, MedGen C4707243, MONDO:0019625.

gnomAD v4.1: 5 of 1,614,038 alleles (0.00031%); highest among the groups gnomAD compares: Non-Finnish European, 0.00042%; no homozygotes.

Submission:

Ambry Genetics
Classification: Uncertain significance for Familial thoracic aortic aneurysm and aortic dissection. Last evaluated: 2024-10-08. Review status: criteria provided, single submitter. Criteria: Ambry Variant Classification Scheme 2023. Collection method: clinical testing. Allele origin: germline.
Comment: The p.A640V variant (also known as c.1919C>T), located in coding exon 18 of the PLOD1 gene, results from a C to T substitution at nucleotide position 1919. The alanine at codon 640 is replaced by valine, an amino acid with similar properties. This amino acid position is conserved. In addition, the in silico prediction for this alteration is inconclusive. Based on the available evidence, the clinical significance of this variant remains unclear.

NM_000302.4(PLOD1):c.1919C>T (p.Ala640Val)

Gene: PLOD1 (procollagen-lysine,2-oxoglutarate 5-dioxygenase 1; plus strand). Cytogenetic location: 1p36.22.
Variant type: single nucleotide variant.
Coding change: c.1919C>T on transcript NM_000302.4 (MANE Select); coding-DNA position 1919, C replaced by T.
Protein change: p.Ala640Val; replaces alanine 640 with valine.
Molecular consequence: missense variant.
Genome position (GRCh38, 1-based): chr1:11,972,888, C>T. VCF-style: chr1-11972888-C-T. GRCh37 (hg19) VCF-style: chr1-12032945-C-T.
Other names: c.2060C>T, p.Ala687Val (NM_001316320.2); short protein forms A640V, A687V.
Identifiers: ClinVar variation 3420931 (VCV003420931.1).